The following is an entry in ClinVar:

ClinVar aggregate classification (germline): Pathogenic (1 of 4 stars; one submission).

Submission:

GeneDx
Classification: Pathogenic. Last evaluated: 2026-09-04. Review status: criteria provided, single submitter. Criteria: GeneDx Variant Classification Process June 2021. Collection method: clinical testing. Allele origin: germline.
Comment: Canonical splice site variant predicted to result in a null allele in a gene for which loss of function is a known mechanism of disease; Not observed at significant frequency in large population cohorts (gnomAD); Has not been previously published as pathogenic or benign to our knowledge

NM_000179.3(MSH6):c.3173-2A>T

Gene: MSH6 (mutS homolog 6; plus strand). Cytogenetic location: 2p16.3.
Variant type: single nucleotide variant.
Coding change: c.3173-2A>T on transcript NM_000179.3 (MANE Select); the canonical splice acceptor site of the intron before coding-DNA position 3173, A replaced by T.
Molecular consequence: splice acceptor variant. On other transcripts: intron variant (1).
Genome position (GRCh38, 1-based): chr2:47,803,418, A>T. VCF-style: chr2-47803418-A-T. GRCh37 (hg19) VCF-style: chr2-48030557-A-T.
Other names: c.3173-2A>T (NM_001406809.1, NM_001406796.1, NM_001406808.1 and 1 more transcripts); c.2267-2A>T (NM_001406811.1, NM_001406814.1, NM_001281493.2 and 6 more transcripts); c.2876-2A>T (NM_001406805.1, NM_001406797.1, NM_001406801.1 and 10 more transcripts); c.3269-2A>T (NM_001406795.1, NM_001406802.1); c.3179-2A>T (NM_001406813.1); c.2648-2A>T (NM_001406807.1, NM_001406799.1, NM_001406806.1); c.3173-176A>T (NM_001406798.1); c.2309-2A>T (NM_001406803.1); and 7 more.
Identifiers: ClinVar variation 489178 (VCV000489178.4), dbSNP rs1553331242, ClinGen allele CA346757807.
Genomic context (GRCh38, chr2:47,803,418, plus strand): 5'-AACACTTAGGCTGATAAAACCCCCAAACGATGAAGCCTCACTTTTACCCTCTCTTTTAAC[A>T]GATGTTTTACTGTGCCTGGCTAACTATAGTCGAGGGGGTGATGGTCCTATGTGTCGCCCA-3'